The following is an entry in ClinVar:

ClinVar aggregate classification (germline): Likely benign (1 of 4 stars; one submission).

Allele frequency attached by ClinVar (database versions not stated): 1000 Genomes Project 0.00599; 1000 Genomes Project 30x 0.00609; gnomAD 0.00638 and 0.00686; TOPMed 0.00727.
gnomAD v4.1: 967 of 152,022 alleles (0.64%); highest among the groups gnomAD compares: African/African-American, 2%; 9 homozygotes.

Submission:

GeneDx
Classification: Likely benign. Last evaluated: 2018-06-16. Review status: criteria provided, single submitter. Criteria: GeneDx Variant Classification (06012015). Collection method: clinical testing. Allele origin: germline. Affected: yes.
Comment: This variant is considered likely benign or benign based on one or more of the following criteria: it is a conservative change, it occurs at a poorly conserved position in the protein, it is predicted to be benign by multiple in silico algorithms, and/or has population frequency not consistent with disease.

NM_001035.3(RYR2):c.7342+306C>T

Gene: RYR2 (ryanodine receptor 2; plus strand). Cytogenetic location: 1q43.
Variant type: single nucleotide variant.
Coding change: c.7342+306C>T on transcript NM_001035.3 (MANE Select); 306 bases into the intron after coding-DNA position 7342, C replaced by T.
Molecular consequence: intron variant.
Genome position (GRCh38, 1-based): chr1:237,643,753, C>T. VCF-style: chr1-237643753-C-T. GRCh37 (hg19) VCF-style: chr1-237807053-C-T.
Identifiers: ClinVar variation 669564 (VCV000669564.1), dbSNP rs547728669, ClinGen allele CA39792428.